The following is an entry in ClinVar:

NM_138959.3(VANGL1):c.164C>A (p.Pro55His)

Gene: VANGL1 (VANGL planar cell polarity protein 1; plus strand). Cytogenetic location: 1p13.1.
Variant type: single nucleotide variant.
Coding change: c.164C>A on transcript NM_138959.3 (MANE Select); coding-DNA position 164, C replaced by A.
Protein change: p.Pro55His; replaces proline 55 with histidine.
Molecular consequence: missense variant.
Genome position (GRCh38, 1-based): chr1:115,659,733, C>A. VCF-style: chr1-115659733-C-A. GRCh37 (hg19) VCF-style: chr1-116202354-C-A.
Other names: c.164C>A, p.Pro55His (NM_001172411.2, NM_001172412.2); short protein forms P55H.
Identifiers: ClinVar variation 4535847 (VCV004535847.1).

ClinVar aggregate classification (germline): Uncertain significance (1 of 4 stars; one submission).

Submission:

Women's Health and Genetics/Laboratory Corporation of America, LabCorp
Classification: Uncertain significance. Last evaluated: 2025-09-03. Review status: criteria provided, single submitter. Criteria: LabCorp Variant Classification Summary - May 2015. Collection method: clinical testing. Allele origin: germline.
Comment: Variant summary: VANGL1 c.164C>A (p.Pro55His) results in a non-conservative amino acid change in the encoded protein sequence. Algorithms developed to predict the effect of missense changes on protein structure and function all suggest that this variant is likely to be disruptive. The variant allele was found at a frequency of 0.00011 in 251478 control chromosomes. This frequency is not significantly higher than estimated for disease-causing variants in VANGL1, allowing no conclusion about variant significance. To our knowledge, no occurrence of c.164C>A in individuals affected with VANGL1-related conditions and no experimental evidence demonstrating its impact on protein function have been reported. No submitters have cited clinical-significance assessments for this variant to ClinVar. Based on the evidence outlined above, the variant was classified as uncertain significance.